The following is an entry in ClinVar:

ClinVar aggregate classification (germline): Uncertain significance (1 of 4 stars; one submission).

Submission:

Labcorp Genetics (formerly Invitae), Labcorp
Classification: Uncertain significance. Last evaluated: 2021-11-12. Review status: criteria provided, single submitter. Criteria: Invitae Variant Classification Sherloc (09022015). Collection method: clinical testing. Allele origin: germline.
Comment: This sequence change replaces alanine, which is neutral and non-polar, with proline, which is neutral and non-polar, at codon 211 of the CLUAP1 protein (p.Ala211Pro). In summary, the available evidence is currently insufficient to determine the role of this variant in disease. Therefore, it has been classified as a Variant of Uncertain Significance. Experimental studies and prediction algorithms are not available or were not evaluated, and the functional significance of this variant is currently unknown. This variant has not been reported in the literature in individuals affected with CLUAP1-related conditions. Information on the frequency of this variant in the gnomAD database is not available, as this variant may be reported differently in the database.

NM_015041.3(CLUAP1):c.630_631delinsGC (p.Ala211Pro)

Gene: CLUAP1 (clusterin associated protein 1; plus strand). Cytogenetic location: 16p13.3.
Variant type: Indel.
Coding change: c.630_631delinsGC on transcript NM_015041.3 (MANE Select); coding-DNA positions 630 to 631, AG replaced by GC.
Protein change: p.Ala211Pro; replaces alanine 211 with proline.
Molecular consequence: missense variant.
Genome position (GRCh38, 1-based): chr16:3,519,953-3,519,954, AG replaced by GC. VCF-style: chr16-3519953-AG-GC. GRCh37 (hg19) VCF-style: chr16-3569953-AG-GC.
Other names: c.630_631delinsGC, p.Ala211Pro (NM_001330454.2); c.132_133delinsGC, p.Ala45Pro (NM_024793.3); short protein forms A211P, A45P.
Identifiers: ClinVar variation 1351118 (VCV001351118.6), dbSNP rs2151057193, ClinGen allele CA2573152033.